The following is an entry in ClinVar:

ClinVar aggregate classification (germline): Uncertain significance (1 of 4 stars; one submission).

Submission:

Labcorp Genetics (formerly Invitae), Labcorp
Classification: Uncertain significance. Last evaluated: 2021-04-30. Review status: criteria provided, single submitter. Criteria: Invitae Variant Classification Sherloc (09022015). Collection method: clinical testing. Allele origin: germline.
Comment: This variant has not been reported in the literature in individuals with RECQL-related conditions. In summary, the available evidence is currently insufficient to determine the role of this variant in disease. Therefore, it has been classified as a Variant of Uncertain Significance. Algorithms developed to predict the effect of missense changes on protein structure and function output the following: SIFT: "Tolerated"; PolyPhen-2: "Benign"; Align-GVGD: "Class C0". The alanine amino acid residue is found in multiple mammalian species, suggesting that this missense change does not adversely affect protein function. These predictions have not been confirmed by published functional studies and their clinical significance is uncertain. This variant is not present in population databases (ExAC no frequency). This sequence change replaces valine with alanine at codon 533 of the RECQL protein (p.Val533Ala). The valine residue is weakly conserved and there is a small physicochemical difference between valine and alanine.

NM_002907.4(RECQL):c.1598T>C (p.Val533Ala)

Gene: RECQL (RecQ like helicase; minus strand). Cytogenetic location: 12p12.1.
Variant type: single nucleotide variant.
Coding change: c.1598T>C on transcript NM_002907.4 (MANE Select); coding-DNA position 1598, T replaced by C.
Protein change: p.Val533Ala; replaces valine 533 with alanine.
Molecular consequence: missense variant.
Genome position (GRCh38, 1-based): chr12:21,471,497, A>G on the plus strand (T>C on the coding strand, the complement: RECQL is on the minus strand). VCF-style: chr12-21471497-A-G. GRCh37 (hg19) VCF-style: chr12-21624431-A-G.
Other names: c.1598T>C, p.Val533Ala (NM_032941.3); short protein forms V533A.
Identifiers: ClinVar variation 1370889 (VCV001370889.8), dbSNP rs2137316145, ClinGen allele CA384116070.